The following is an entry in ClinVar:

ClinVar aggregate classification (germline): Uncertain significance. Review status: criteria provided, multiple submitters, no conflicts (2 of 4 stars). 3 submissions from 3 submitters: Uncertain significance (3). Last evaluated 2026-02-05.

Conditions:
DiGeorge syndrome. Also called: Catch22; THIRD AND FOURTH PHARYNGEAL POUCH SYNDROME. Identifiers: Orphanet 567, MedGen C0012236, MONDO:0008564, OMIM 188400.

Allele frequency attached by ClinVar (database versions not stated): gnomAD 0.00001; TOPMed 0.00002.
gnomAD v4.1: 3 of 1,014,468 alleles (0.0003%); highest among the groups gnomAD compares: Admixed American, 0.0055%; no homozygotes.

Submissions (3):

GeneDx
Classification: Uncertain significance. Last evaluated: 2026-02-05. Review status: criteria provided, single submitter. Criteria: GeneDx Variant Classification Process June 2021. Collection method: clinical testing. Allele origin: germline.
Comment: Not observed at significant frequency in large population cohorts (gnomAD); In silico analysis suggests that this missense variant does not alter protein structure/function; Has not been previously published as pathogenic or benign to our knowledge

Dasa
Classification: Uncertain significance. Last evaluated: 2025-04-14. Review status: criteria provided, single submitter. Criteria: DASA Assertion Criteria. Collection method: clinical testing. Allele origin: germline.
Comment: NM_001379200.1(TBX1):c.92G>T (p.Gly31Val) is a missense variant that results in the substitution of glycine with valine. This variant is rare in population databases. Computational prediction algorithms are consistent with a benign effect. The currently available literature and clinical evidence are not sufficient to establish a definitive association between this variant and the reported condition. Therefore, this variant is classified as a variant of uncertain significance.

Labcorp Genetics (formerly Invitae), Labcorp
Classification: Uncertain significance for DiGeorge syndrome. Last evaluated: 2022-12-04. Review status: criteria provided, single submitter. Criteria: Invitae Variant Classification Sherloc (09022015). Collection method: clinical testing. Allele origin: germline.
Comment: This sequence change replaces glycine, which is neutral and non-polar, with valine, which is neutral and non-polar, at codon 22 of the TBX1 protein (p.Gly22Val). In summary, the available evidence is currently insufficient to determine the role of this variant in disease. Therefore, it has been classified as a Variant of Uncertain Significance. Algorithms developed to predict the effect of missense changes on protein structure and function are either unavailable or do not agree on the potential impact of this missense change (SIFT: "Tolerated"; PolyPhen-2: "Not Available"; Align-GVGD: "Class C0"). This variant has not been reported in the literature in individuals affected with TBX1-related conditions. The frequency data for this variant in the population databases is considered unreliable, as metrics indicate insufficient coverage at this position in the gnomAD database.

NM_001379200.1(TBX1):c.92G>T (p.Gly31Val)

Gene: TBX1 (T-box transcription factor 1; plus strand). Cytogenetic location: 22q11.21.
Variant type: single nucleotide variant.
Coding change: c.92G>T on transcript NM_001379200.1 (MANE Select); coding-DNA position 92, G replaced by T.
Protein change: p.Gly31Val; replaces glycine 31 with valine.
Molecular consequence: missense variant.
Genome position (GRCh38, 1-based): chr22:19,760,935, G>T. VCF-style: chr22-19760935-G-T. GRCh37 (hg19) VCF-style: chr22-19748458-G-T.
Other names: c.65G>T, p.Gly22Val (NM_005992.1, NM_080646.2, NM_080647.1); short protein forms G31V, G22V.
Identifiers: ClinVar variation 2146785 (VCV002146785.7), dbSNP rs1936635296, ClinGen allele CA410681137.
Genomic context (GRCh38, chr22:19,760,935, plus strand): 5'-CGCAGCTCTCGCATTTCTGCGACGTTGCAGCCTTCACGGCCAGCAGCCTGAGCAGCCTGG[G>T]GGCCGCGGGGGGCTTCCCGGGCGCCGCGTCGCCCGGCGCCGACCCGTACGGCCCGCGCGA-3'
Protein context (NP_001366129.1, residues 21-41): AFTASSLSSL[Gly31Val]AAGGFPGAAS